The following is an entry in ClinVar:

ClinVar aggregate classification (germline): Likely benign. Review status: criteria provided, single submitter (1 of 4 stars). 2 submissions from 2 submitters: Likely benign (1). 1 of the submissions does not count toward it. Last evaluated 2025-12-20.

Conditions:
GRIP1-related disorder. Also called: GRIP1-related condition.

Allele frequency attached by ClinVar (database versions not stated): gnomAD 0.00002.
gnomAD v4.1: 13 of 1,613,902 alleles (0.00081%); highest among the groups gnomAD compares: Non-Finnish European, 0.0011%; no homozygotes.

Submissions (2):

Labcorp Genetics (formerly Invitae), Labcorp
Classification: Likely benign. Last evaluated: 2025-12-20. Review status: criteria provided, single submitter. Criteria: Invitae Variant Classification Sherloc (09022015). Collection method: clinical testing. Allele origin: germline.

PreventionGenetics, part of Exact Sciences
Classification: Likely benign for GRIP1-related condition. Last evaluated: 2019-10-28. Review status: no assertion criteria provided. Collection method: clinical testing. Allele origin: germline. Not counted in ClinVar's aggregate classification.
Comment: This variant is classified as likely benign based on ACMG/AMP sequence variant interpretation guidelines (Richards et al. 2015 PMID: 25741868, with internal and published modifications).

NM_001366722.1(GRIP1):c.2682G>C (p.Ala894=)

Gene: GRIP1 (glutamate receptor interacting protein 1; minus strand). Cytogenetic location: 12q14.3.
Variant type: single nucleotide variant.
Coding change: c.2682G>C on transcript NM_001366722.1 (MANE Select); coding-DNA position 2682, G replaced by C.
Protein change: p.Ala894=; no amino-acid change (alanine 894 retained).
Molecular consequence: synonymous variant.
Genome position (GRCh38, 1-based): chr12:66,377,225, C>G on the plus strand (G>C on the coding strand, the complement: GRIP1 is on the minus strand). VCF-style: chr12-66377225-C-G. GRCh37 (hg19) VCF-style: chr12-66771005-C-G.
Other names: c.2526G>C, p.Ala842= (NM_001178074.2, NM_001379351.1, NM_021150.4); c.2601G>C, p.Ala867= (NM_001366723.1, NM_001379348.1); c.2604G>C, p.Ala868= (NM_001366724.1, NM_001379347.1); c.2760G>C, p.Ala920= (NM_001379345.1); c.2682G>C, p.Ala894= (NM_001379346.1); c.2529G>C, p.Ala843= (NM_001379349.1); c.2526G>C (NM_021150.3).
Identifiers: ClinVar variation 2884974 (VCV002884974.4), dbSNP rs1318696561, ClinGen allele CA480573481.